The following is an entry in ClinVar:

ClinVar aggregate classification (germline): Uncertain significance (1 of 4 stars; one submission).

Submission:

GeneDx
Classification: Uncertain significance. Last evaluated: 2026-03-23. Review status: criteria provided, single submitter. Criteria: GeneDx Variant Classification Process June 2021. Collection method: clinical testing. Allele origin: germline.
Comment: Not observed at significant frequency in large population cohorts (gnomAD); In silico analysis indicates that this missense variant does not alter protein structure/function; Has not been previously published as pathogenic or benign to our knowledge

NM_002906.4(RDX):c.1519A>C (p.Asn507His)

Gene: RDX (radixin; minus strand). Cytogenetic location: 11q22.3.
Variant type: single nucleotide variant.
Coding change: c.1519A>C on transcript NM_002906.4 (MANE Select); coding-DNA position 1519, A replaced by C.
Protein change: p.Asn507His; replaces asparagine 507 with histidine.
Molecular consequence: missense variant. On other transcripts: intron variant (1).
Genome position (GRCh38, 1-based): chr11:110,233,305, T>G on the plus strand (A>C on the coding strand, the complement: RDX is on the minus strand). VCF-style: chr11-110233305-T-G. GRCh37 (hg19) VCF-style: chr11-110104030-T-G.
Other names: c.1519A>C, p.Asn507His (NM_001260492.2, NM_001260493.2, NM_001440505.1 and 3 more transcripts); c.1111A>C, p.Asn371His (NM_001260494.2); c.478A>C, p.Asn160His (NM_001260495.2); c.1705A>C, p.Asn569His (NM_001440509.1); c.1486A>C, p.Asn496His (NM_001440510.1, NM_001440511.1, NM_001440513.1 and 2 more transcripts); c.1540A>C, p.Asn514His (NM_001440512.1); c.1435A>C, p.Asn479His (NM_001440516.1); c.1423A>C, p.Asn475His (NM_001440517.1); and 1 more; short protein forms N160H, N371H, N475H, N479H, N496H, N507H, N514H, N569H.
Identifiers: ClinVar variation 5016867 (VCV005016867.1).